The following is an entry in ClinVar:

NM_000132.4(F8):c.1420G>T (p.Gly474Trp)

Gene: F8 (coagulation factor VIII; minus strand). Cytogenetic location: Xq28.
Variant type: single nucleotide variant.
Coding change: c.1420G>T on transcript NM_000132.4 (MANE Select); coding-DNA position 1420, G replaced by T.
Protein change: p.Gly474Trp; replaces glycine 474 with tryptophan.
Molecular consequence: missense variant.
Genome position (GRCh38, 1-based): chrX:154,965,993, C>A on the plus strand (G>T on the coding strand, the complement: F8 is on the minus strand). VCF-style: chrX-154965993-C-A. GRCh37 (hg19) VCF-style: chrX-154194268-C-A.
Other names: NM_000132.3:c.1420G>T; short protein forms G474W.
Identifiers: ClinVar variation 3775067 (VCV003775067.1).

ClinVar aggregate classification (germline): Likely pathogenic (3 of 4 stars; one submission).

Conditions:
Hereditary factor VIII deficiency disease (HEMA). Also called: HEMOPHILIA, CLASSIC; AUTOSOMAL HEMOPHILIA A; Hemophilia A; Hemophilia A, congenital; HEM A; Factor 8 deficiency, congenital. Identifiers: Orphanet 98878, MedGen C0019069, MONDO:0010602, OMIM 306700.

Submission:

ClinGen Coagulation Factor Deficiency Variant Curation Expert Panel, Clingen
Classification: Likely pathogenic for Hereditary factor VIII deficiency disease. Last evaluated: 2025-03-10. Review status: reviewed by expert panel. Criteria: ClinGen CoagFactor ACMG Specifications F8 V1.0.0. Collection method: curation. Allele origin: germline. Inheritance: X-linked inheritance.
Comment: The variant, NM_000132.3(F8):c.1420G>T, predicts a missense change, Gly474Trp, which is not reported in gnomAD v2.1.1 or v3. This variant has been reported in at least one male patient with severe hemophilia A in the literature meeting PP4_Moderate criteria (PMID: 19473408). Another nucleotide change at the same codon, c.1421G>A; p.Gly474Glu is classified as pathogenic by CFD-VCEP meeting the PM5 criteria. The variant has a REVEL score of 0.952 (threshold >0.6) meeting PP3 criteria. In summary, the clinical significance of this variant is likely pathogenic. ACMG/AMP criteria applied, as specified by the Coagulation Factor Deficiency Variant Curation Expert Panel for F8: PP4_Moderate, PP3, PM2_Supporting, PM5.